The following is an entry in ClinVar:

ClinVar aggregate classification (germline): Benign/Likely benign. Review status: criteria provided, multiple submitters, no conflicts (2 of 4 stars). 3 submissions from 3 submitters: Benign (1); Likely benign (1). 1 of the submissions does not count toward it. Last evaluated 2024-11-20.

Conditions:
CHRNA7-related disorder. Also called: CHRNA7-related condition.

Allele frequency attached by ClinVar (database versions not stated): gnomAD 0.00013; TOPMed 0.00013; ESP Exome Variant Server 0.00016; gnomAD exomes 0.00037 and 0.00054; 1000 Genomes Project 30x 0.00047; 1000 Genomes Project 0.00080; ExAC 0.00153.
gnomAD v4.1: 559 of 1,572,036 alleles (0.036%); highest among the groups gnomAD compares: Middle Eastern, 0.35%; 4 homozygotes.

Submissions (3):

Blueprint Genetics
Classification: Likely benign. Last evaluated: 2024-11-20. Review status: criteria provided, single submitter. Criteria: ACMG Guidelines, 2015. Collection method: clinical testing. Allele origin: germline.

Labcorp Genetics (formerly Invitae), Labcorp
Classification: Benign. Last evaluated: 2019-12-31. Review status: criteria provided, single submitter. Criteria: Invitae Variant Classification Sherloc (09022015). Collection method: clinical testing. Allele origin: germline.

PreventionGenetics, part of Exact Sciences
Classification: Likely benign for CHRNA7-related condition. Last evaluated: 2019-03-27. Review status: no assertion criteria provided. Collection method: clinical testing. Allele origin: germline. Not counted in ClinVar's aggregate classification.
Comment: This variant is classified as likely benign based on ACMG/AMP sequence variant interpretation guidelines (Richards et al. 2015 PMID: 25741868, with internal and published modifications).

NM_000746.6(CHRNA7):c.45G>A (p.Ser15=)

Gene: CHRNA7 (cholinergic receptor nicotinic alpha 7 subunit). Cytogenetic location: 15q13.3.
Variant type: single nucleotide variant.
Coding change: c.45G>A on transcript NM_000746.6 (MANE Select); coding-DNA position 45, G replaced by A.
Protein change: p.Ser15=; no amino-acid change (serine 15 retained).
Molecular consequence: synonymous variant. On other transcripts: non-coding transcript variant (1).
Genome position (GRCh38, 1-based): chr15:32,030,639, G>A. VCF-style: chr15-32030639-G-A. GRCh37 (hg19) VCF-style: chr15-32322842-G-A.
Other names: c.45G>A, p.Ser15= (NM_001190455.3).
Identifiers: ClinVar variation 710974 (VCV000710974.7), dbSNP rs200390587, ClinGen allele CA7454048.